The following is an entry in ClinVar:

ClinVar aggregate classification (germline): Uncertain significance. Review status: criteria provided, multiple submitters, no conflicts (2 of 4 stars). 6 submissions from 6 submitters: Uncertain significance (5). 1 of the submissions does not count toward it. Last evaluated 2025-08-20.

Conditions:
FANCA-related disorder. Also called: FANCA-related condition.
Fanconi anemia (FA). Also called: Fanconi's anemia. Identifiers: Orphanet 84, MedGen C0015625, MeSH D005199, MONDO:0019391.
Fanconi anemia complementation group A (FANCA). Also called: FANCA-Related Fanconi Anemia; Fanconi anemia, group A. Identifiers: Orphanet 84, MedGen C3469521, MONDO:0009215, OMIM 227650.

Allele frequency attached by ClinVar (database versions not stated): ExAC 0.00001; gnomAD exomes 0.00001; TOPMed 0.00001.
gnomAD v4.1: 50 of 1,614,058 alleles (0.0031%); highest among the groups gnomAD compares: Non-Finnish European, 0.0042%; no homozygotes.

Submissions (6):

Labcorp Genetics (formerly Invitae), Labcorp
Classification: Uncertain significance for Fanconi anemia. Last evaluated: 2025-08-20. Review status: criteria provided, single submitter. Criteria: Invitae Variant Classification Sherloc (09022015). Collection method: clinical testing. Allele origin: germline.
Comment: This sequence change replaces valine, which is neutral and non-polar, with phenylalanine, which is neutral and non-polar, at codon 384 of the FANCA protein (p.Val384Phe). This variant is present in population databases (rs751071791, gnomAD 0.003%). This missense change has been observed in individual(s) with breast and/or ovarian cancer (PMID: 32546565, 35884425). ClinVar contains an entry for this variant (Variation ID: 887496). Invitae Evidence Modeling of protein sequence and biophysical properties (such as structural, functional, and spatial information, amino acid conservation, physicochemical variation, residue mobility, and thermodynamic stability) indicates that this missense variant is expected to disrupt FANCA protein function with a positive predictive value of 95%. In summary, the available evidence is currently insufficient to determine the role of this variant in disease. Therefore, it has been classified as a Variant of Uncertain Significance.

Quest Diagnostics Nichols Institute San Juan Capistrano
Classification: Uncertain significance. Last evaluated: 2025-07-15. Review status: criteria provided, single submitter. Criteria: Quest Diagnostics criteria. Collection method: clinical testing. Allele origin: unknown.
Comment: The FANCA c.1150G>T (p.Val384Phe) variant has been reported in the published literature in individuals with breast cancer (PMID: 35884425 (2022)), ovarian cancer (PMID: 32546565 (2021)), and reportedly unaffected individuals (PMID: 35884425 (2022), 32546565 (2021)). The frequency of this variant in the general population (Genome Aggregation Database) is uninformative in the assessment of its pathogenicity. Analysis of this variant using bioinformatics tools for the prediction of the effect of amino acid changes on protein structure and function yielded predictions that this variant is damaging. Based on the available information, we are unable to determine the clinical significance of this variant.

Mayo Clinic Laboratories, Mayo Clinic
Classification: Uncertain significance. Last evaluated: 2022-05-16. Review status: criteria provided, single submitter. Criteria: ACMG Guidelines, 2015. Collection method: clinical testing. Allele origin: germline. Observed: 1 variant allele.

Fulgent Genetics
Classification: Uncertain significance for Fanconi anemia complementation group A. Last evaluated: 2022-03-18. Review status: criteria provided, single submitter. Criteria: ACMG Guidelines, 2015. Collection method: clinical testing. Allele origin: unknown.

Illumina Laboratory Services, Illumina
Classification: Uncertain significance for Fanconi anemia complementation group A. Last evaluated: 2018-01-12. Review status: criteria provided, single submitter. Criteria: ICSL Variant Classification Criteria 13 December 2019. Collection method: clinical testing. Allele origin: germline.

PreventionGenetics, part of Exact Sciences
Classification: Uncertain significance for FANCA-related condition. Last evaluated: 2024-02-08. Review status: no assertion criteria provided. Collection method: clinical testing. Allele origin: germline. Not counted in ClinVar's aggregate classification.
Comment: The FANCA c.1150G>T variant is predicted to result in the amino acid substitution p.Val384Phe. To our knowledge, this variant has not been reported in the literature. This variant is reported in 0.0026% of alleles in individuals of European (Non-Finnish) descent in gnomAD. This variant is reported as uncertain in ClinVar. At this time, the clinical significance of this variant is uncertain due to the absence of conclusive functional and genetic evidence.

Literature cited by the submitters: PubMed 32546565 (cited by Labcorp Genetics (formerly Invitae), Labcorp and Quest Diagnostics Nichols Institute San Juan Capistrano); PubMed 35884425 (cited by Labcorp Genetics (formerly Invitae), Labcorp and Quest Diagnostics Nichols Institute San Juan Capistrano).

NM_000135.4(FANCA):c.1150G>T (p.Val384Phe)

Gene: FANCA (FA complementation group A; minus strand). Cytogenetic location: 16q24.3.
Variant type: single nucleotide variant.
Coding change: c.1150G>T on transcript NM_000135.4 (MANE Select); coding-DNA position 1150, G replaced by T.
Protein change: p.Val384Phe; replaces valine 384 with phenylalanine.
Molecular consequence: missense variant.
Genome position (GRCh38, 1-based): chr16:89,792,002, C>A on the plus strand (G>T on the coding strand, the complement: FANCA is on the minus strand). VCF-style: chr16-89792002-C-A. GRCh37 (hg19) VCF-style: chr16-89858410-C-A.
Other names: p.Val384Phe; c.1150G>T (NM_000135.3); c.1150G>T, p.Val384Phe (NM_001286167.3); short protein forms V384F.
Identifiers: ClinVar variation 887496 (VCV000887496.12), dbSNP rs751071791, ClinGen allele CA8252493.
Genomic context (GRCh38, chr16:89,792,002, plus strand): 5'-GCGCTTCTGGAAAGCAGACAACCAGGGCAGACACAAAGGAGAGCACTCTCTGCCAGTGAA[C>A]CTCCTGCGTTTCCAGAACTTCTTGCAAATGGCCAACCAACTCCTCTGCACTCAGCATCAC-3'
Protein context (NP_000126.2, residues 374-394): HLQEVLETQE[Val384Phe]HWQRVLSFVS